The following is an entry in ClinVar:

NM_020778.5(ALPK3):c.3947_3954dup (p.Val1319fs)

Gene: ALPK3 (alpha kinase 3; plus strand). Cytogenetic location: 15q25.3.
Variant type: Duplication.
Coding change: c.3947_3954dup on transcript NM_020778.5 (MANE Select); coding-DNA positions 3947 to 3954, 8 bases duplicated (TGGGCGAG; older notation c.3947_3954dupTGGGCGAG).
Protein change: p.Val1319fs; shifts the reading frame from valine 1319.
Molecular consequence: frameshift variant.
Genome position (GRCh38, 1-based): chr15:84,859,372-84,859,379, TGGGCGAG duplicated; duplicating any 8 consecutive bases within chr15:84,859,370-84,859,379 gives the same sequence; the c. name uses the placement nearest the transcript's 3' end. VCF-style (leftmost placement, unchanged base first): chr15-84859369-C-CAGTGGGCG. GRCh37 (hg19) VCF-style: chr15-85402600-C-CAGTGGGCG.
Other names: short protein forms V1319fs.
Identifiers: ClinVar variation 1741450 (VCV001741450.2), dbSNP rs2505724060, ClinGen allele CA2575820540.
Genomic context (GRCh38, chr15:84,859,369, plus strand): 5'-GGTGCCAGTTTTTCAACATTCTTAGTGACTCAGTCTTGACATGGGCCAAGGATCAGCGCC[C>CAGTGGGCG]AGTGGGCGAGGTGGGCAGGAGGTAAGCCAACGACACCACTGCCACCTGACCTGGCTCCCT-3'

ClinVar aggregate classification (germline): Likely pathogenic (1 of 4 stars; one submission).

Conditions:
Cardiovascular phenotype. Identifiers: MedGen CN230736.

Submission:

Ambry Genetics
Classification: Likely pathogenic for Cardiovascular phenotype. Last evaluated: 2021-07-07. Review status: criteria provided, single submitter. Criteria: Ambry Variant Classification Scheme 2023. Collection method: clinical testing. Allele origin: germline.
Comment: The c.4553_4560dupTGGGCGAG variant, located in coding exon 7 of the ALPK3 gene, results from a duplication of TGGGCGAG at nucleotide position 4553, causing a translational frameshift with a predicted alternate stop codon (p.V1521Wfs*24). This alteration is expected to result in loss of function by premature protein truncation or nonsense-mediated mRNA decay. Based on the majority of available evidence to date, this variant is likely to be pathogenic.